The following is an entry in ClinVar:

ClinVar aggregate classification (germline): Uncertain significance (1 of 4 stars; one submission).

Conditions:
Bryant-Li-Bhoj neurodevelopmental syndrome 1 (BRYLIB1). Identifiers: MedGen C5676905, MONDO:0030606, OMIM 619720.

Submission:

Institute of Human Genetics, University of Leipzig Medical Center
Classification: Uncertain significance for Bryant-Li-Bhoj neurodevelopmental syndrome 1. Last evaluated: 2026-05-19. Review status: criteria provided, single submitter. Criteria: ACMG Guidelines, 2015. Collection method: clinical testing. Allele origin: unknown. Inheritance: Autosomal dominant inheritance. Affected: yes.
Comment: Criteria applied: PM2,PP2,PP3

NM_002107.7(H3-3A):c.233A>T (p.Asp78Val)

Gene: H3-3A (H3.3 histone A; plus strand). Cytogenetic location: 1q42.12.
Variant type: single nucleotide variant.
Coding change: c.233A>T on transcript NM_002107.7 (MANE Select); coding-DNA position 233, A replaced by T.
Protein change: p.Asp78Val; replaces aspartic acid 78 with valine.
Molecular consequence: missense variant.
Genome position (GRCh38, 1-based): chr1:226,065,760, A>T. VCF-style: chr1-226065760-A-T. GRCh37 (hg19) VCF-style: chr1-226253461-A-T.
Other names: c.233A>T, p.Asp78Val (NM_001379043.1, NM_001379045.1, NM_001379046.1 and 1 more transcripts); short protein forms D78V.
Identifiers: ClinVar variation 4857433 (VCV004857433.1).